The following is an entry in ClinVar:

NM_006939.4(SOS2):c.674G>T (p.Arg225Leu)

Gene: SOS2 (SOS Ras/Rho guanine nucleotide exchange factor 2; minus strand). Cytogenetic location: 14q21.3.
Variant type: single nucleotide variant.
Coding change: c.674G>T on transcript NM_006939.4 (MANE Select); coding-DNA position 674, G replaced by T.
Protein change: p.Arg225Leu; replaces arginine 225 with leucine.
Molecular consequence: missense variant.
Genome position (GRCh38, 1-based): chr14:50,188,537, C>A on the plus strand (G>T on the coding strand, the complement: SOS2 is on the minus strand). VCF-style: chr14-50188537-C-A. GRCh37 (hg19) VCF-style: chr14-50655255-C-A.
Other names: c.674G>T, p.Arg225Leu (NM_001411020.1); short protein forms R225L.
Identifiers: ClinVar variation 1755238 (VCV001755238.5), dbSNP rs780580623, ClinGen allele CA389648010.

ClinVar aggregate classification (germline): Uncertain significance. Review status: criteria provided, multiple submitters, no conflicts (2 of 4 stars). 2 submissions from 2 submitters: Uncertain significance (2). Last evaluated 2023-12-02.

Conditions:
Cardiovascular phenotype. Identifiers: MedGen CN230736.
Noonan syndrome 9 (NS9). Identifiers: Orphanet 648, MedGen C4225282, MONDO:0014691, OMIM 616559.

gnomAD v4.1: 3 of 1,600,216 alleles (0.00019%); highest among the groups gnomAD compares: Non-Finnish European, 0.00025%; no homozygotes.

Submissions (2):

Labcorp Genetics (formerly Invitae), Labcorp
Classification: Uncertain significance for Noonan syndrome 9. Last evaluated: 2023-12-02. Review status: criteria provided, single submitter. Criteria: Invitae Variant Classification Sherloc (09022015). Collection method: clinical testing. Allele origin: germline.
Comment: This sequence change replaces arginine, which is basic and polar, with leucine, which is neutral and non-polar, at codon 225 of the SOS2 protein (p.Arg225Leu). This variant is not present in population databases (gnomAD no frequency). This variant has not been reported in the literature in individuals affected with SOS2-related conditions. ClinVar contains an entry for this variant (Variation ID: 1755238). Advanced modeling of protein sequence and biophysical properties (such as structural, functional, and spatial information, amino acid conservation, physicochemical variation, residue mobility, and thermodynamic stability) performed at Invitae indicates that this missense variant is expected to disrupt SOS2 protein function with a positive predictive value of 80%. In summary, the available evidence is currently insufficient to determine the role of this variant in disease. Therefore, it has been classified as a Variant of Uncertain Significance.

Ambry Genetics
Classification: Uncertain significance for Cardiovascular phenotype. Last evaluated: 2022-06-14. Review status: criteria provided, single submitter. Criteria: Ambry Variant Classification Scheme 2023. Collection method: clinical testing. Allele origin: germline.
Comment: The p.R225L variant (also known as c.674G>T), located in coding exon 5 of the SOS2 gene, results from a G to T substitution at nucleotide position 674. The arginine at codon 225 is replaced by leucine, an amino acid with dissimilar properties. This amino acid position is conserved. In addition, this alteration is predicted to be deleterious by in silico analysis. Since supporting evidence is limited at this time, the clinical significance of this alteration remains unclear.